The following is an entry in ClinVar:

ClinVar aggregate classification (germline): Pathogenic (1 of 4 stars; one submission).

Conditions:
Larsen-like syndrome, B3GAT3 type. Also called: Multiple joint dislocations, short stature, craniofacial dysmorphism, with or without congenital heart defects; MULTIPLE JOINT DISLOCATIONS, SHORT STATURE, AND CRANIOFACIAL DYSMORPHISM WITH OR WITHOUT CONGENITAL HEART DEFECTS. Identifiers: Orphanet 284139, MedGen CN034159, MONDO:0009511, OMIM 245600.

Submission:

Labcorp Genetics (formerly Invitae), Labcorp
Classification: Pathogenic for Larsen-like syndrome, B3GAT3 type. Last evaluated: 2023-03-08. Review status: criteria provided, single submitter. Criteria: Invitae Variant Classification Sherloc (09022015). Collection method: clinical testing. Allele origin: germline.
Comment: This variant has not been reported in the literature in individuals affected with B3GAT3-related conditions. This variant is not present in population databases (gnomAD no frequency). This sequence change creates a premature translational stop signal (p.Ile51Phefs*50) in the B3GAT3 gene. It is expected to result in an absent or disrupted protein product. Loss-of-function variants in B3GAT3 are known to be pathogenic (PMID: 25893793, 27871226). For these reasons, this variant has been classified as Pathogenic.

Literature cited by the submitters: PubMed 25893793; PubMed 27871226.

NM_012200.4(B3GAT3):c.150del (p.Ile51fs)

Gene: B3GAT3 (beta-1,3-glucuronyltransferase 3; minus strand). Cytogenetic location: 11q12.3.
Variant type: Deletion.
Coding change: c.150del on transcript NM_012200.4 (MANE Select); coding-DNA position 150, one base deleted (G; older notation c.150delG).
Protein change: p.Ile51fs; shifts the reading frame from isoleucine 51.
Molecular consequence: frameshift variant. On other transcripts: non-coding transcript variant (1).
Genome position (GRCh38, 1-based): chr11:62,620,604, C deleted on the plus strand (G on the coding strand, the reverse complement: B3GAT3 is on the minus strand); the first of 2 consecutive C bases (chr11:62,620,604-62,620,605); deleting either gives the same sequence. VCF-style (leftmost placement, unchanged base first): chr11-62620603-TC-T. GRCh37 (hg19) VCF-style: chr11-62388075-TC-T.
Other names: c.129del, p.Ile44fs (NM_001288721.2); c.150del, p.Ile51fs (NM_001288722.2, NM_001288723.2); short protein forms I44fs, I51fs.
Identifiers: ClinVar variation 2844231 (VCV002844231.3), dbSNP rs2496251511, ClinGen allele CA2739270466.